The following is an entry in ClinVar:

NM_004958.4(MTOR):c.6101C>T (p.Ala2034Val)

Gene: MTOR (mechanistic target of rapamycin kinase; minus strand). Cytogenetic location: 1p36.22.
Variant type: single nucleotide variant.
Coding change: c.6101C>T on transcript NM_004958.4 (MANE Select); coding-DNA position 6101, C replaced by T.
Protein change: p.Ala2034Val; replaces alanine 2034 with valine.
Molecular consequence: missense variant.
Genome position (GRCh38, 1-based): chr1:11,127,739, G>A on the plus strand (C>T on the coding strand, the complement: MTOR is on the minus strand). VCF-style: chr1-11127739-G-A. GRCh37 (hg19) VCF-style: chr1-11187796-G-A.
Other names: short protein forms A2034V.
Identifiers: ClinVar variation 948357 (VCV000948357.9), dbSNP rs1642913562, ClinGen allele CA338393920.

ClinVar aggregate classification (germline): Uncertain significance (1 of 4 stars; one submission).

Submission:

Labcorp Genetics (formerly Invitae), Labcorp
Classification: Uncertain significance. Last evaluated: 2019-06-15. Review status: criteria provided, single submitter. Criteria: Invitae Variant Classification Sherloc (09022015). Collection method: clinical testing. Allele origin: germline.
Comment: This variant has not been reported in the literature in individuals with MTOR-related conditions. In summary, the available evidence is currently insufficient to determine the role of this variant in disease. Therefore, it has been classified as a Variant of Uncertain Significance. Algorithms developed to predict the effect of sequence changes on RNA splicing suggest that this variant may create or strengthen a splice site, but this prediction has not been confirmed by published transcriptional studies. Algorithms developed to predict the effect of missense changes on protein structure and function are either unavailable or do not agree on the potential impact of this missense change (SIFT: "Deleterious"; PolyPhen-2: "Probably Damaging"; Align-GVGD: "Class C0"). This variant is not present in population databases (ExAC no frequency). This sequence change replaces alanine with valine at codon 2034 of the MTOR protein (p.Ala2034Val). The alanine residue is highly conserved and there is a small physicochemical difference between alanine and valine.